The following is an entry in ClinVar:

NM_000051.4(ATM):c.4109G>T (p.Gly1370Val)

Gene: ATM (ATM serine/threonine kinase; plus strand). Cytogenetic location: 11q22.3.
Variant type: single nucleotide variant.
Coding change: c.4109G>T on transcript NM_000051.4 (MANE Select); coding-DNA position 4109, G replaced by T.
Protein change: p.Gly1370Val; replaces glycine 1370 with valine.
Molecular consequence: missense variant.
Genome position (GRCh38, 1-based): chr11:108,287,715, G>T. VCF-style: chr11-108287715-G-T. GRCh37 (hg19) VCF-style: chr11-108158442-G-T.
Other names: c.4109G>T, p.Gly1370Val (NM_001351834.2); short protein forms G1370V.
Identifiers: ClinVar variation 4841353 (VCV004841353.1).

ClinVar aggregate classification (germline): Uncertain significance (1 of 4 stars; one submission).

Conditions:
Hereditary cancer-predisposing syndrome. Also called: Neoplastic Syndromes, Hereditary; Tumor predisposition; Hereditary Cancer Syndrome; Hereditary neoplastic syndrome. Identifiers: Orphanet 140162, MedGen C0027672, MeSH D009386, MONDO:0015356.

Submission:

Ambry Genetics
Classification: Uncertain significance for Hereditary cancer-predisposing syndrome. Last evaluated: 2025-12-30. Review status: criteria provided, single submitter. Criteria: Ambry Variant Classification Scheme 2023. Collection method: clinical testing. Allele origin: germline.
Comment: The c.4109G>T variant (also known as p.G1370V), located in coding exon 26 of the ATM gene, results from a G to T substitution at nucleotide position 4109. The amino acid change results in glycine to valine at codon 1370, an amino acid with dissimilar properties. However, this change occurs in the last base pair of coding exon 26 and may have some effect on normal mRNA splicing. This nucleotide position is highly conserved in available vertebrate species. In silico splice site analysis for this alteration is inconclusive. This amino acid position is well conserved in available vertebrate species. In addition, as a missense substitution this is predicted to be deleterious by in silico analysis. Based on the available evidence, the clinical significance of this variant remains unclear.